The following is an entry in ClinVar:

NM_031407.7(HUWE1):c.567+1G>C

Gene: HUWE1 (HECT, UBA and WWE domain containing E3 ubiquitin protein ligase 1; minus strand). Cytogenetic location: Xp11.22.
Variant type: single nucleotide variant.
Coding change: c.567+1G>C on transcript NM_031407.7 (MANE Select); the canonical splice donor site of the intron after coding-DNA position 567, G replaced by C.
Molecular consequence: splice donor variant.
Genome position (GRCh38, 1-based): chrX:53,634,235, C>G on the plus strand (G>C on the coding strand, the complement: HUWE1 is on the minus strand). VCF-style: chrX-53634235-C-G. GRCh37 (hg19) VCF-style: chrX-53661187-C-G.
Identifiers: ClinVar variation 375711 (VCV000375711.3), dbSNP rs1557024919, ClinGen allele CA413161865.

ClinVar aggregate classification (germline): Pathogenic. Review status: criteria provided, multiple submitters, no conflicts (2 of 4 stars). 2 submissions from 2 submitters: Pathogenic (2). Last evaluated 2025-08-29.

Conditions:
Intellectual developmental disorder, X-linked, syndromic, Turner type. Also called: Intellectual disability, X-linked syndromic, Turner type; X-linked intellectual disability, Turner type. Identifiers: Orphanet 3056, Orphanet 85328, MedGen C2678046, MONDO:0010407, OMIM 309590.

Submissions (2):

GeneDx
Classification: Pathogenic. Last evaluated: 2025-08-29. Review status: criteria provided, single submitter. Criteria: GeneDx Variant Classification Process June 2021. Collection method: clinical testing. Allele origin: germline. Affected: yes.
Comment: Canonical splice site variant predicted to result in an in-frame loss of the adjacent exon in a gene for which loss of function is a known mechanism of disease; Not observed at significant frequency in large population cohorts (gnomAD); This variant is associated with the following publications: (PMID: 29180823)

Center for Medical Genetics and Molecular Medicine, Haukeland University Hospital
Classification: Pathogenic for Intellectual developmental disorder, X-linked, syndromic, Turner type. Last evaluated: 2017-01-18. Review status: criteria provided, single submitter. Criteria: ACMG Guidelines, 2015. Collection method: clinical testing. Allele origin: de novo. Inheritance: X-linked inheritance. Affected: no. Observed: 1 variant allele.
Comment: ACMG evidence: PVS(1), PS(1), PM(1)